The following is an entry in ClinVar:

ClinVar aggregate classification (germline): Uncertain significance (1 of 4 stars; one submission).

Submission:

Labcorp Genetics (formerly Invitae), Labcorp
Classification: Uncertain significance. Last evaluated: 2023-10-24. Review status: criteria provided, single submitter. Criteria: Invitae Variant Classification Sherloc (09022015). Collection method: clinical testing. Allele origin: germline.
Comment: This sequence change replaces leucine, which is neutral and non-polar, with isoleucine, which is neutral and non-polar, at codon 3524 of the HMCN1 protein (p.Leu3524Ile). This variant is not present in population databases (gnomAD no frequency). This variant has not been reported in the literature in individuals affected with HMCN1-related conditions. An algorithm developed to predict the effect of missense changes on protein structure and function (PolyPhen-2) suggests that this variant is likely to be tolerated. In summary, the available evidence is currently insufficient to determine the role of this variant in disease. Therefore, it has been classified as a Variant of Uncertain Significance.

NM_031935.3(HMCN1):c.10570C>A (p.Leu3524Ile)

Gene: HMCN1 (hemicentin 1; plus strand). Cytogenetic location: 1q31.1.
Variant type: single nucleotide variant.
Coding change: c.10570C>A on transcript NM_031935.3 (MANE Select); coding-DNA position 10570, C replaced by A.
Protein change: p.Leu3524Ile; replaces leucine 3524 with isoleucine.
Molecular consequence: missense variant.
Genome position (GRCh38, 1-based): chr1:186,095,518, C>A. VCF-style: chr1-186095518-C-A. GRCh37 (hg19) VCF-style: chr1-186064650-C-A.
Other names: short protein forms L3524I.
Identifiers: ClinVar variation 2771658 (VCV002771658.3), dbSNP rs763321496, ClinGen allele CA343931549.